The following is an entry in ClinVar:

ClinVar aggregate classification (germline): Pathogenic (1 of 4 stars; one submission).

Submission:

Labcorp Genetics (formerly Invitae), Labcorp
Classification: Pathogenic. Last evaluated: 2023-12-06. Review status: criteria provided, single submitter. Criteria: Invitae Variant Classification Sherloc (09022015). Collection method: clinical testing. Allele origin: germline.
Comment: This sequence change creates a premature translational stop signal (p.Ile76Thrfs*2) in the ABCC8 gene. It is expected to result in an absent or disrupted protein product. Loss-of-function variants in ABCC8 are known to be pathogenic (PMID: 20685672, 23345197). This variant is not present in population databases (gnomAD no frequency). This variant has not been reported in the literature in individuals affected with ABCC8-related conditions. For these reasons, this variant has been classified as Pathogenic.

Literature cited by the submitters: PubMed 20685672; PubMed 23345197.

NM_000352.6(ABCC8):c.227del (p.Ile76fs)

Gene: ABCC8 (ATP binding cassette subfamily C member 8; minus strand). Cytogenetic location: 11p15.1.
Variant type: Deletion.
Coding change: c.227del on transcript NM_000352.6 (MANE Select); coding-DNA position 227, one base deleted (T; older notation c.227delT).
Protein change: p.Ile76fs; shifts the reading frame from isoleucine 76.
Molecular consequence: frameshift variant. On other transcripts: non-coding transcript variant (1).
Genome position (GRCh38, 1-based): chr11:17,474,949, A deleted on the plus strand (T on the coding strand, the reverse complement: ABCC8 is on the minus strand). VCF-style (leftmost placement, unchanged base first): chr11-17474948-GA-G. GRCh37 (hg19) VCF-style: chr11-17496495-GA-G.
Other names: c.227del, p.Ile76fs (NM_001287174.3, NM_001351295.2, NM_001351296.2 and 1 more transcripts); short protein forms I76fs.
Identifiers: ClinVar variation 2701295 (VCV002701295.3), dbSNP rs2496918974, ClinGen allele CA2697548463.